The following is an entry in ClinVar:

NM_001291746.2(REL):c.11G>A (p.Gly4Asp)

Gene: REL (REL proto-oncogene, NF-kB subunit; plus strand). Cytogenetic location: 2p16.1.
Variant type: single nucleotide variant.
Coding change: c.11G>A on transcript NM_001291746.2 (MANE Select); coding-DNA position 11, G replaced by A.
Protein change: p.Gly4Asp; replaces glycine 4 with aspartic acid.
Molecular consequence: missense variant.
Genome position (GRCh38, 1-based): chr2:60,891,683, G>A. VCF-style: chr2-60891683-G-A. GRCh37 (hg19) VCF-style: chr2-61118818-G-A.
Other names: c.11G>A, p.Gly4Asp (NM_002908.4); short protein forms G4D.
Identifiers: ClinVar variation 2797513 (VCV002797513.3), dbSNP rs1673219478, ClinGen allele CA347041271.

ClinVar aggregate classification (germline): Uncertain significance (1 of 4 stars; one submission).

Allele frequency attached by ClinVar (database versions not stated): gnomAD exomes below 0.00001.
gnomAD v4.1: 4 of 1,597,382 alleles (0.00025%); highest among the groups gnomAD compares: Non-Finnish European, 0.00026%; no homozygotes.

Submission:

Labcorp Genetics (formerly Invitae), Labcorp
Classification: Uncertain significance. Last evaluated: 2023-09-30. Review status: criteria provided, single submitter. Criteria: Invitae Variant Classification Sherloc (09022015). Collection method: clinical testing. Allele origin: germline.
Comment: This sequence change replaces glycine, which is neutral and non-polar, with aspartic acid, which is acidic and polar, at codon 4 of the REL protein (p.Gly4Asp). This variant is not present in population databases (gnomAD no frequency). This variant has not been reported in the literature in individuals affected with REL-related conditions. An algorithm developed to predict the effect of missense changes on protein structure and function (PolyPhen-2) suggests that this variant is likely to be disruptive. In summary, the available evidence is currently insufficient to determine the role of this variant in disease. Therefore, it has been classified as a Variant of Uncertain Significance.